The following is an entry in ClinVar:

NM_002907.4(RECQL):c.1798G>C (p.Ala600Pro)

Genes: PYROXD1 (pyridine nucleotide-disulphide oxidoreductase domain 1; plus strand), RECQL (RecQ like helicase; minus strand). Cytogenetic location: 12p12.1.
Variant type: single nucleotide variant.
Coding change: c.1798G>C on transcript NM_002907.4 (MANE Select); coding-DNA position 1798, G replaced by C.
Protein change: p.Ala600Pro; replaces alanine 600 with proline.
Molecular consequence: missense variant. On other transcripts: 3 prime UTR variant (3).
Genome position (GRCh38, 1-based): chr12:21,470,346, C>G on the plus strand (G>C on the coding strand, the complement: RECQL is on the minus strand). VCF-style: chr12-21470346-C-G. GRCh37 (hg19) VCF-style: chr12-21623280-C-G.
Other names: c.1798G>C, p.Ala600Pro (NM_032941.3); c.*1592C>G (NM_001350912.2, NM_001350913.2, NM_024854.5); short protein forms A600P.
Identifiers: ClinVar variation 3313487 (VCV003313487.1).
Genomic context (GRCh38, chr12:21,470,346, plus strand): 5'-AATTTTTTTCCTCCATCTTTTTATCACCTTGTTCAGAATGACAAGTTTGAGACGATTCAG[C>G]CTACAAAAAAAAAAAAAAAACAAAGCAAGCACCTTGGTAAAAATCCAGCTATTCAGTTTT-3'
Protein context (NP_002898.2, residues 590-610): VTKSTQNSFR[Ala600Pro]ESSQTCHSEQ

ClinVar aggregate classification (germline): Uncertain significance (1 of 4 stars; one submission).

Submission:

Ambry Genetics
Classification: Uncertain significance. Last evaluated: 2024-06-01. Review status: criteria provided, single submitter. Criteria: Ambry Variant Classification Scheme 2023. Collection method: clinical testing. Allele origin: germline.
Comment: The p.A600P variant (also known as c.1798G>C) is located in coding exon 14 of the RECQL gene. The alanine at codon 600 is replaced by proline, an amino acid with highly similar properties. This change occurs in the first base pair of coding exon 14. This amino acid position is conserved. In addition, this alteration is predicted to be tolerated by in silico analysis. Based on the available evidence, the clinical significance of this variant remains unclear.